The following is an entry in ClinVar:

ClinVar aggregate classification (germline): Likely benign. Review status: criteria provided, multiple submitters, no conflicts (2 of 4 stars). 2 submissions from 2 submitters: Likely benign (2). Last evaluated 2026-08-01.

gnomAD v4.1: 46 of 1,613,978 alleles (0.0029%); highest among the groups gnomAD compares: South Asian, 0.0099%; no homozygotes.

Submissions (2):

CeGaT Center for Human Genetics Tuebingen
Classification: Likely benign. Last evaluated: 2026-08-01. Review status: criteria provided, single submitter. Criteria: CeGaT Center For Human Genetics Tuebingen Variant Classification Criteria Version 2. Collection method: clinical testing. Allele origin: germline. Affected: yes. Observed: 1 variant allele.
Comment: CRKL: BP4, BP7

Labcorp Genetics (formerly Invitae), Labcorp
Classification: Likely benign. Last evaluated: 2024-03-06. Review status: criteria provided, single submitter. Criteria: Invitae Variant Classification Sherloc (09022015). Collection method: clinical testing. Allele origin: germline.

NM_005207.4(CRKL):c.423C>T (p.Asp141=)

Gene: CRKL (CRK like proto-oncogene, adaptor protein; plus strand). Cytogenetic location: 22q11.21.
Variant type: single nucleotide variant.
Coding change: c.423C>T on transcript NM_005207.4 (MANE Select); coding-DNA position 423, C replaced by T.
Protein change: p.Asp141=; no amino-acid change (aspartic acid 141 retained).
Molecular consequence: synonymous variant. On other transcripts: non-coding transcript variant (1).
Genome position (GRCh38, 1-based): chr22:20,933,890, C>T. VCF-style: chr22-20933890-C-T. GRCh37 (hg19) VCF-style: chr22-21288178-C-T.
Identifiers: ClinVar variation 3717031 (VCV003717031.3).